The following is an entry in ClinVar:

ClinVar aggregate classification (germline): Uncertain significance. Review status: criteria provided, multiple submitters, no conflicts (2 of 4 stars). 3 submissions from 3 submitters: Uncertain significance (3). Last evaluated 2024-12-02.

Conditions:
Developmental and epileptic encephalopathy, 12 (DEE12). Identifiers: MedGen C3150988, MONDO:0013389, OMIM 613722.

Allele frequency attached by ClinVar (database versions not stated): TOPMed 0.00007; ExAC 0.00001; gnomAD exomes 0.00001; gnomAD 0.00006 and 0.00007.
gnomAD v4.1: 26 of 1,614,108 alleles (0.0016%); highest among the groups gnomAD compares: African/African-American, 0.024%; no homozygotes.

Submissions (3):

Labcorp Genetics (formerly Invitae), Labcorp
Classification: Uncertain significance for Developmental and epileptic encephalopathy, 12. Last evaluated: 2024-12-02. Review status: criteria provided, single submitter. Criteria: Invitae Variant Classification Sherloc (09022015). Collection method: clinical testing. Allele origin: germline.
Comment: This sequence change replaces isoleucine, which is neutral and non-polar, with leucine, which is neutral and non-polar, at codon 498 of the PNKP protein (p.Ile498Leu). This variant is present in population databases (rs753116883, gnomAD 0.007%). This variant has not been reported in the literature in individuals affected with PNKP-related conditions. ClinVar contains an entry for this variant (Variation ID: 538888). Invitae Evidence Modeling of protein sequence and biophysical properties (such as structural, functional, and spatial information, amino acid conservation, physicochemical variation, residue mobility, and thermodynamic stability) indicates that this missense variant is not expected to disrupt PNKP protein function with a negative predictive value of 80%. In summary, the available evidence is currently insufficient to determine the role of this variant in disease. Therefore, it has been classified as a Variant of Uncertain Significance.

GeneDx
Classification: Uncertain significance. Last evaluated: 2021-05-17. Review status: criteria provided, single submitter. Criteria: GeneDx Variant Classification Process June 2021. Collection method: clinical testing. Allele origin: germline. Affected: yes.
Comment: Not observed at significant frequency in large population cohorts (Lek et al., 2016); In silico analysis supports that this missense variant does not alter protein structure/function; Has not been previously published as pathogenic or benign to our knowledge

Athena Diagnostics
Classification: Uncertain significance. Last evaluated: 2018-11-27. Review status: criteria provided, single submitter. Criteria: Athena Diagnostics Criteria. Collection method: clinical testing. Allele origin: germline.

NM_007254.4(PNKP):c.1492A>C (p.Ile498Leu)

Gene: PNKP (polynucleotide kinase 3'-phosphatase; minus strand). Cytogenetic location: 19q13.33.
Variant type: single nucleotide variant.
Coding change: c.1492A>C on transcript NM_007254.4 (MANE Select); coding-DNA position 1492, A replaced by C.
Protein change: p.Ile498Leu; replaces isoleucine 498 with leucine.
Molecular consequence: missense variant.
Genome position (GRCh38, 1-based): chr19:49,861,322, T>G on the plus strand (A>C on the coding strand, the complement: PNKP is on the minus strand). VCF-style: chr19-49861322-T-G. GRCh37 (hg19) VCF-style: chr19-50364579-T-G.
Other names: short protein forms I498L.
Identifiers: ClinVar variation 538888 (VCV000538888.13), dbSNP rs753116883, ClinGen allele CA9586333.